The following is an entry in ClinVar:

NM_001903.5(CTNNA1):c.112A>G (p.Thr38Ala)

Gene: CTNNA1 (catenin alpha 1; plus strand). Cytogenetic location: 5q31.2.
Variant type: single nucleotide variant.
Coding change: c.112A>G on transcript NM_001903.5 (MANE Select); coding-DNA position 112, A replaced by G.
Protein change: p.Thr38Ala; replaces threonine 38 with alanine.
Molecular consequence: missense variant. On other transcripts: 5 prime UTR variant (1), intron variant (1).
Genome position (GRCh38, 1-based): chr5:138,783,183, A>G. VCF-style: chr5-138783183-A-G. GRCh37 (hg19) VCF-style: chr5-138118872-A-G.
Other names: c.112A>G, p.Thr38Ala (NM_001290307.3, NM_001323982.2, NM_001323983.1 and 3 more transcripts); c.-95A>G (NM_001290310.3); c.-9+1154A>G (NM_001290309.3); c.112A>G (NM_001903.2); short protein forms T38A.
Identifiers: ClinVar variation 2012110 (VCV002012110.5), dbSNP rs2532177792, ClinGen allele CA361477273.
Genomic context (GRCh38, chr5:138,783,183, plus strand): 5'-ATTAGTTTGTCATTTTAATTGACTCCAGTTTAATGTTAAAAATGAAACTTTTAGGTTACA[A>G]CCCTTGTAAACACCAATAGTAAAGGGCCCTCTAATAAGAAGAGAGGTCGTTCTAAGAAGG-3'
Protein context (NP_001894.2, residues 28-48): LLEPLVTQVT[Thr38Ala]LVNTNSKGPS

ClinVar aggregate classification (germline): Uncertain significance. Review status: criteria provided, multiple submitters, no conflicts (2 of 4 stars). 2 submissions from 2 submitters: Uncertain significance (2). Last evaluated 2026-04-22.

Conditions:
Hereditary cancer-predisposing syndrome. Also called: Neoplastic Syndromes, Hereditary; Tumor predisposition; Hereditary Cancer Syndrome; Hereditary neoplastic syndrome. Identifiers: Orphanet 140162, MedGen C0027672, MeSH D009386, MONDO:0015356.

Allele frequency attached by ClinVar (database versions not stated): gnomAD exomes below 0.00001.
gnomAD v4.1: 1 of 1,594,502 alleles (0.000063%); highest among the groups gnomAD compares: Non-Finnish European, 0.000085%; no homozygotes.

Submissions (2):

Ambry Genetics
Classification: Uncertain significance for Hereditary cancer-predisposing syndrome. Last evaluated: 2026-04-22. Review status: criteria provided, single submitter. Criteria: Ambry Variant Classification Scheme 2023. Collection method: clinical testing. Allele origin: germline.
Comment: The p.T38A variant (also known as c.112A>G), located in coding exon 2 of the CTNNA1 gene, results from an A to G substitution at nucleotide position 112. The threonine at codon 38 is replaced by alanine, an amino acid with similar properties. This amino acid position is conserved. In addition, the in silico prediction for this alteration is inconclusive. Based on the available evidence, the clinical significance of this variant remains unclear.

Labcorp Genetics (formerly Invitae), Labcorp
Classification: Uncertain significance. Last evaluated: 2022-06-30. Review status: criteria provided, single submitter. Criteria: Invitae Variant Classification Sherloc (09022015). Collection method: clinical testing. Allele origin: germline.
Comment: Algorithms developed to predict the effect of missense changes on protein structure and function are either unavailable or do not agree on the potential impact of this missense change (SIFT: "Deleterious"; PolyPhen-2: "Probably Damaging"; Align-GVGD: "Class C0"). In summary, the available evidence is currently insufficient to determine the role of this variant in disease. Therefore, it has been classified as a Variant of Uncertain Significance. This variant has not been reported in the literature in individuals affected with CTNNA1-related conditions. This variant is not present in population databases (gnomAD no frequency). This sequence change replaces threonine, which is neutral and polar, with alanine, which is neutral and non-polar, at codon 38 of the CTNNA1 protein (p.Thr38Ala).